The following is an entry in ClinVar:

ClinVar aggregate classification (germline): Uncertain significance. Review status: criteria provided, multiple submitters, no conflicts (2 of 4 stars). 5 submissions from 5 submitters: Uncertain significance (5). Last evaluated 2026-08-06.

Conditions:
Normophosphatemic familial tumoral calcinosis. Also called: CALCINOSIS, TUMORAL, WITH NORMOPHOSPHATEMIA. Identifiers: Orphanet 306658, Orphanet 53715, MedGen C1864861, MONDO:0012502, OMIM 610455.

Allele frequency attached by ClinVar (database versions not stated): ExAC 0.00004; gnomAD exomes 0.00004 and 0.00007; TOPMed 0.00009; gnomAD 0.00011.
gnomAD v4.1: 82 of 1,613,728 alleles (0.0051%); highest among the groups gnomAD compares: Middle Eastern, 0.033%; no homozygotes.

Submissions (5):

OLLIN Analises Genomicas, OLLIN
Classification: Uncertain significance for Normophosphatemic familial tumoral calcinosis. Last evaluated: 2026-08-06. Review status: criteria provided, single submitter. Criteria: ACMG Guidelines 2015 PMID 25741868. Collection method: clinical testing. Allele origin: germline. Inheritance: Autosomal dominant inheritance.
Comment: This missense variant, located in exon 3 (of 3), has been reported in ClinVar (accession VCV001337394.34) and in gnomAD with an allele frequency of 0.00508%. However, to our knowledge, it has not been reported in the scientific literature. In silico analysis predicts that this variant has a tolerated effect. According to the currently available evidence, this variant has been classified as uncertain significance (BP4).

Labcorp Genetics (formerly Invitae), Labcorp
Classification: Uncertain significance. Last evaluated: 2026-01-27. Review status: criteria provided, single submitter. Criteria: Invitae Variant Classification Sherloc (09022015). Collection method: clinical testing. Allele origin: germline.
Comment: This sequence change replaces isoleucine, which is neutral and non-polar, with threonine, which is neutral and polar, at codon 247 of the SAMD9 protein (p.Ile247Thr). This variant is present in population databases (rs200540593, gnomAD 0.01%). This missense change has been observed in individual(s) with acute myeloid leukemia (PMID: 30322869, 34621053). ClinVar contains an entry for this variant (Variation ID: 1337394). An algorithm developed to predict the effect of missense changes on protein structure and function outputs the following: PolyPhen-2: "Possibly Damaging". The threonine amino acid residue is found in multiple mammalian species, which suggests that this missense change does not adversely affect protein function. Experimental studies have shown that this missense change affects SAMD9 function (PMID: 30322869). In summary, the available evidence is currently insufficient to determine the role of this variant in disease. Therefore, it has been classified as a Variant of Uncertain Significance.

GeneDx
Classification: Uncertain significance. Last evaluated: 2025-01-23. Review status: criteria provided, single submitter. Criteria: GeneDx Variant Classification Process June 2021. Collection method: clinical testing. Allele origin: germline. Affected: yes.
Comment: In silico analysis supports that this missense variant has a deleterious effect on protein structure/function; Published functional studies suggest this variant is associated with impaired cell growth suppression as compared to wild-type (PMID: 30322869); Reported as a germline variant in individuals with myelodysplastic syndrome and/or leukemia (PMID: 30322869, 34621053); This variant is associated with the following publications: (PMID: 28545555, 30322869, 34621053)

CeGaT Center for Human Genetics Tuebingen
Classification: Uncertain significance. Last evaluated: 2023-01-01. Review status: criteria provided, single submitter. Criteria: CeGaT Center For Human Genetics Tuebingen Variant Classification Criteria Version 2. Collection method: clinical testing. Allele origin: germline. Affected: yes. Observed: 1 variant allele.
Comment: SAMD9: PM2, BP4

Genetic Services Laboratory, University of Chicago
Classification: Uncertain significance. Last evaluated: 2019-10-16. Review status: criteria provided, single submitter. Criteria: ACMG Guidelines, 2015. Collection method: clinical testing. Allele origin: germline. Affected: no.

Literature cited by the submitters: PubMed 30322869 (cited by Labcorp Genetics (formerly Invitae), Labcorp); PubMed 34621053 (cited by Labcorp Genetics (formerly Invitae), Labcorp).

NM_017654.4(SAMD9):c.740T>C (p.Ile247Thr)

Gene: SAMD9 (sterile alpha motif domain containing 9; minus strand). Cytogenetic location: 7q21.2.
Variant type: single nucleotide variant.
Coding change: c.740T>C on transcript NM_017654.4 (MANE Select); coding-DNA position 740, T replaced by C.
Protein change: p.Ile247Thr; replaces isoleucine 247 with threonine.
Molecular consequence: missense variant.
Genome position (GRCh38, 1-based): chr7:93,105,358, A>G on the plus strand (T>C on the coding strand, the complement: SAMD9 is on the minus strand). VCF-style: chr7-93105358-A-G. GRCh37 (hg19) VCF-style: chr7-92734671-A-G.
Other names: c.740T>C, p.Ile247Thr (NM_001193307.2); short protein forms I247T.
Identifiers: ClinVar variation 1337394 (VCV001337394.36), dbSNP rs200540593, ClinGen allele CA4343082.